The following is an entry in ClinVar:

ClinVar aggregate classification (germline): Uncertain significance. Review status: criteria provided, multiple submitters, no conflicts (2 of 4 stars). 2 submissions from 2 submitters: Uncertain significance (2). Last evaluated 2025-11-18.

Allele frequency attached by ClinVar (database versions not stated): gnomAD 0.00017; gnomAD exomes 0.00002; ExAC 0.00003; ESP Exome Variant Server 0.00008; 1000 Genomes Project 30x 0.00016; TOPMed 0.00019; 1000 Genomes Project 0.00020.

Submissions (2):

Labcorp Genetics (formerly Invitae), Labcorp
Classification: Uncertain significance. Last evaluated: 2025-11-18. Review status: criteria provided, single submitter. Criteria: Invitae Variant Classification Sherloc (09022015). Collection method: clinical testing. Allele origin: germline.
Comment: This sequence change replaces glycine, which is neutral and non-polar, with serine, which is neutral and polar, at codon 775 of the ZNF687 protein (p.Gly775Ser). This variant is present in population databases (rs147334222, gnomAD 0.03%). This variant has not been reported in the literature in individuals affected with ZNF687-related conditions. ClinVar contains an entry for this variant (Variation ID: 2367416). An algorithm developed to predict the effect of missense changes on protein structure and function (PolyPhen-2) suggests that this variant is likely to be disruptive. In summary, the available evidence is currently insufficient to determine the role of this variant in disease. Therefore, it has been classified as a Variant of Uncertain Significance.

Ambry Genetics
Classification: Uncertain significance. Last evaluated: 2025-07-01. Review status: criteria provided, single submitter. Criteria: Ambry Variant Classification Scheme 2023. Collection method: clinical testing. Allele origin: germline.

NM_020832.3(ZNF687):c.2323G>A (p.Gly775Ser)

Gene: ZNF687 (zinc finger protein 687; plus strand). Cytogenetic location: 1q21.3.
Variant type: single nucleotide variant.
Coding change: c.2323G>A on transcript NM_020832.3 (MANE Select); coding-DNA position 2323, G replaced by A.
Protein change: p.Gly775Ser; replaces glycine 775 with serine.
Molecular consequence: missense variant.
Genome position (GRCh38, 1-based): chr1:151,289,123, G>A. VCF-style: chr1-151289123-G-A. GRCh37 (hg19) VCF-style: chr1-151261599-G-A.
Other names: c.2323G>A, p.Gly775Ser (NM_001304763.2, NM_001304764.2); short protein forms G775S.
Identifiers: ClinVar variation 2367416 (VCV002367416.6), dbSNP rs147334222, ClinGen allele CA1088528.